The following is an entry in ClinVar:

NM_002485.5(NBN):c.510A>G (p.Pro170=)

Gene: NBN (nibrin; minus strand). Cytogenetic location: 8q21.3.
Variant type: single nucleotide variant.
Coding change: c.510A>G on transcript NM_002485.5 (MANE Select); coding-DNA position 510, A replaced by G.
Protein change: p.Pro170=; no amino-acid change (proline 170 retained).
Molecular consequence: synonymous variant.
Genome position (GRCh38, 1-based): chr8:89,978,294, T>C on the plus strand (A>G on the coding strand, the complement: NBN is on the minus strand). VCF-style: chr8-89978294-T-C. GRCh37 (hg19) VCF-style: chr8-90990522-T-C.
Other names: c.264A>G, p.Pro88= (NM_001024688.3).
Identifiers: ClinVar variation 230364 (VCV000230364.18), dbSNP rs772311947, ClinGen allele CA4802948.
Genomic context (GRCh38, chr8:89,978,294, plus strand): 5'-AGGCTGCTTCTTGGACTCAACTGCTTTCAGGAATTCAGTAAAATATTCTGGCTTTACAAT[T>C]GGACGTCCACAAATGAGTGCACATATTGTCTACAATGAAGAAAACATGTGAATATATATA-3'
Protein context (NP_002476.2, residues 160-180): KTICALICGR[Pro170=]IVKPEYFTEF

ClinVar aggregate classification (germline): Likely benign. Review status: criteria provided, multiple submitters, no conflicts (2 of 4 stars). 3 submissions from 3 submitters: Likely benign (2). 1 of the submissions does not count toward it. Last evaluated 2023-10-22.

Conditions:
Hereditary cancer-predisposing syndrome. Also called: Hereditary Cancer Syndrome; Neoplastic Syndromes, Hereditary; Tumor predisposition; Hereditary neoplastic syndrome. Identifiers: Orphanet 140162, MedGen C0027672, MeSH D009386, MONDO:0015356.
NBN-related disorder. Also called: NBN-related condition.
Microcephaly, normal intelligence and immunodeficiency (NBS). Also called: BERLIN BREAKAGE SYNDROME; Ataxia telangiectasia variant V1; IMMUNODEFICIENCY, MICROCEPHALY, AND CHROMOSOMAL INSTABILITY; SEEMANOVA SYNDROME II; Nijmegen breakage syndrome; Microcephaly with normal intelligence immunodeficiency and lymphoreticular malignancies. Identifiers: Orphanet 647, MedGen C0398791, MONDO:0009623, OMIM 251260.

Allele frequency attached by ClinVar (database versions not stated): gnomAD exomes below 0.00001 and 0.00001; ExAC 0.00001.
gnomAD v4.1: 3 of 1,593,566 alleles (0.00019%); highest among the groups gnomAD compares: Non-Finnish European, 0.00017%; no homozygotes.

Submissions (3):

Labcorp Genetics (formerly Invitae), Labcorp
Classification: Likely benign for Microcephaly, normal intelligence and immunodeficiency. Last evaluated: 2023-10-22. Review status: criteria provided, single submitter. Criteria: Invitae Variant Classification Sherloc (09022015). Collection method: clinical testing. Allele origin: germline.

Ambry Genetics
Classification: Likely benign for Hereditary cancer-predisposing syndrome. Last evaluated: 2015-01-30. Review status: criteria provided, single submitter. Criteria: Ambry Variant Classification Scheme 2023. Collection method: clinical testing. Allele origin: germline.

PreventionGenetics, part of Exact Sciences
Classification: Likely benign for NBN-related condition. Last evaluated: 2023-10-26. Review status: no assertion criteria provided. Collection method: clinical testing. Allele origin: germline. Not counted in ClinVar's aggregate classification.
Comment: This variant is classified as likely benign based on ACMG/AMP sequence variant interpretation guidelines (Richards et al. 2015 PMID: 25741868, with internal and published modifications).